The following is an entry in ClinVar:

ClinVar aggregate classification (germline): Likely benign (1 of 4 stars; one submission).

Allele frequency attached by ClinVar (database versions not stated): gnomAD exomes 0.00076; gnomAD 0.00636 and 0.00690; TOPMed 0.00703; 1000 Genomes Project 0.00759; 1000 Genomes Project 30x 0.00812.

Submission:

GeneDx
Classification: Likely benign. Last evaluated: 2018-06-19. Review status: criteria provided, single submitter. Criteria: GeneDx Variant Classification (06012015). Collection method: clinical testing. Allele origin: germline. Affected: yes.
Comment: This variant is considered likely benign or benign based on one or more of the following criteria: it is a conservative change, it occurs at a poorly conserved position in the protein, it is predicted to be benign by multiple in silico algorithms, and/or has population frequency not consistent with disease.

NM_001105206.3(LAMA4):c.2493+125del

Gene: LAMA4 (laminin subunit alpha 4; minus strand). Cytogenetic location: 6q21.
Variant type: Deletion.
Coding change: c.2493+125del on transcript NM_001105206.3 (MANE Select); 125 bases into the intron after coding-DNA position 2493, one base deleted (G; older notation c.2493+125delG).
Molecular consequence: intron variant.
Genome position (GRCh38, 1-based): chr6:112,144,669, C deleted on the plus strand (G on the coding strand, the reverse complement: LAMA4 is on the minus strand). VCF-style (leftmost placement, unchanged base first): chr6-112144668-GC-G. GRCh37 (hg19) VCF-style: chr6-112465870-GC-G.
Other names: c.2472+125del (NM_002290.5, NM_001105207.3).
Identifiers: ClinVar variation 676365 (VCV000676365.1), dbSNP rs138905970, ClinGen allele CA144896141.
Genomic context (GRCh38, chr6:112,144,668, plus strand): 5'-TGGGACCAGGAATTGGTTTCGTTTTCAGTGTTCCTCACGTGTTTCTAATTAGCAAATGGG[GC>G]TGAGAACTACTGAGTTGGAGAATACAGCAGAAAGGTCCAGGCTCTGGAAGCTGCCCAAGC-3'